The following is an entry in ClinVar:

NM_004415.4(DSP):c.7838T>C (p.Leu2613Pro)

Gene: DSP (desmoplakin; plus strand). Cytogenetic location: 6p24.3.
Variant type: single nucleotide variant.
Coding change: c.7838T>C on transcript NM_004415.4 (MANE Select); coding-DNA position 7838, T replaced by C.
Protein change: p.Leu2613Pro; replaces leucine 2613 with proline.
Molecular consequence: missense variant.
Genome position (GRCh38, 1-based): chr6:7,585,100, T>C. VCF-style: chr6-7585100-T-C. GRCh37 (hg19) VCF-style: chr6-7585333-T-C.
Other names: c.6041T>C, p.Leu2014Pro (NM_001008844.3); c.6509T>C, p.Leu2170Pro (NM_001319034.2); short protein forms L2014P, L2170P, L2613P.
Identifiers: ClinVar variation 926948 (VCV000926948.4), dbSNP rs1759599736, ClinGen allele CA362693888.

ClinVar aggregate classification (germline): Uncertain significance (1 of 4 stars; one submission).

Conditions:
Cardiomyopathy (CMYO). Also called: Cardiomyopathies. Identifiers: Orphanet 167848, MedGen C0878544, MONDO:0004994, HP:0001638. Inheritance: Various modes of inheritance.

Submission:

Color Diagnostics, LLC DBA Color Health
Classification: Uncertain significance for Cardiomyopathy. Last evaluated: 2024-03-07. Review status: criteria provided, single submitter. Criteria: ACMG Guidelines, 2015. Collection method: clinical testing. Allele origin: germline.
Comment: This missense variant replaces leucine with proline at codon 2613 of the DSP protein. Computational prediction tool suggests that this variant may not impact protein structure and function (internally defined REVEL score threshold <=0.5, PMID: 27666373). Splice site prediction tools suggest that this variant may not impact RNA splicing. To our knowledge, functional studies have not been performed for this variant. This variant has not been reported in individuals affected with cardiovascular disorders in the literature. This variant has not been identified in the general population by the Genome Aggregation Database (gnomAD). The available evidence is insufficient to determine the role of this variant in disease conclusively. Therefore, this variant is classified as a Variant of Uncertain Significance.